The following is an entry in ClinVar:

NM_000552.5(VWF):c.4492G>A (p.Asp1498Asn)

Gene: VWF (von Willebrand factor; minus strand). Cytogenetic location: 12p13.31.
Variant type: single nucleotide variant.
Coding change: c.4492G>A on transcript NM_000552.5 (MANE Select); coding-DNA position 4492, G replaced by A.
Protein change: p.Asp1498Asn; replaces aspartic acid 1498 with asparagine.
Molecular consequence: missense variant.
Genome position (GRCh38, 1-based): chr12:6,018,926, C>T on the plus strand (G>A on the coding strand, the complement: VWF is on the minus strand). VCF-style: chr12-6018926-C-T. GRCh37 (hg19) VCF-style: chr12-6128092-C-T.
Other names: short protein forms D1498N.
Identifiers: ClinVar variation 1033094 (VCV001033094.1), dbSNP rs1009808532, ClinGen allele CA232297764.
Genomic context (GRCh38, chr12:6,018,926, plus strand): 5'-TGCTCCTGTTGAAGTCGGCTTCACCAATTTTGTCCGATCCTTCCAGGACGAACGCCACAT[C>T]CAGAACCATGGAGTTCCTCTTGGGCCCCAGGGTCGAAACCCCCAAGAGCCCCGGGCCCAC-3'
Protein context (NP_000543.3, residues 1488-1508): LGPKRNSMVL[Asp1498Asn]VAFVLEGSDK

ClinVar aggregate classification (germline): Uncertain significance (1 of 4 stars; one submission).

Conditions:
von Willebrand disease type 1 (VWD1). Also called: VWD, TYPE 1; VON WILLEBRAND DISEASE, TYPE I. Identifiers: Orphanet 166078, Orphanet 903, MedGen C1264039, MONDO:0008668, OMIM 193400. Inheritance: autosomal recessive or autosomal dominant.

Allele frequency attached by ClinVar (database versions not stated): gnomAD 0.00001 and 0.00002; gnomAD exomes 0.00001; TOPMed 0.00003.
gnomAD v4.1: 19 of 1,613,844 alleles (0.0012%); highest among the groups gnomAD compares: Non-Finnish European, 0.0015%; no homozygotes.

Submission:

Baylor Genetics
Classification: Uncertain significance for von Willebrand disease type 1. Last evaluated: 2018-05-14. Review status: criteria provided, single submitter. Criteria: ACMG Guidelines, 2015. Collection method: clinical testing. Allele origin: paternal. Affected: yes.
Comment: This variant was determined to be of uncertain significance according to ACMG Guidelines, 2015 [PMID:25741868].